The following is an entry in ClinVar:

ClinVar aggregate classification (germline): Uncertain significance. Review status: criteria provided, multiple submitters, no conflicts (2 of 4 stars). 2 submissions from 2 submitters: Uncertain significance (2). Last evaluated 2022-11-08.

Allele frequency attached by ClinVar (database versions not stated): gnomAD exomes below 0.00001 and 0.00001; ExAC 0.00001.
gnomAD v4.1: 3 of 1,614,118 alleles (0.00019%); highest among the groups gnomAD compares: South Asian, 0.0011%; no homozygotes.

Submissions (2):

Ambry Genetics
Classification: Uncertain significance. Last evaluated: 2022-11-08. Review status: criteria provided, single submitter. Criteria: Ambry Variant Classification Scheme 2023. Collection method: clinical testing. Allele origin: germline.

Labcorp Genetics (formerly Invitae), Labcorp
Classification: Uncertain significance. Last evaluated: 2021-12-02. Review status: criteria provided, single submitter. Criteria: Invitae Variant Classification Sherloc (09022015). Collection method: clinical testing. Allele origin: germline.
Comment: This variant has not been reported in the literature in individuals affected with CCDC88A-related conditions. This variant is present in population databases (rs766916408, gnomAD 0.003%). This sequence change replaces isoleucine, which is neutral and non-polar, with threonine, which is neutral and polar, at codon 1517 of the CCDC88A protein (p.Ile1517Thr). Algorithms developed to predict the effect of missense changes on protein structure and function are either unavailable or do not agree on the potential impact of this missense change (SIFT: "Deleterious"; PolyPhen-2: "Benign"; Align-GVGD: "Class C0"). In summary, the available evidence is currently insufficient to determine the role of this variant in disease. Therefore, it has been classified as a Variant of Uncertain Significance.

NM_001365480.1(CCDC88A):c.4553T>C (p.Ile1518Thr)

Gene: CCDC88A (coiled-coil and HOOK domain protein 88A; minus strand). Cytogenetic location: 2p16.1.
Variant type: single nucleotide variant.
Coding change: c.4553T>C on transcript NM_001365480.1 (MANE Select); coding-DNA position 4553, T replaced by C.
Protein change: p.Ile1518Thr; replaces isoleucine 1518 with threonine.
Molecular consequence: missense variant.
Genome position (GRCh38, 1-based): chr2:55,301,991, A>G on the plus strand (T>C on the coding strand, the complement: CCDC88A is on the minus strand). VCF-style: chr2-55301991-A-G. GRCh37 (hg19) VCF-style: chr2-55529127-A-G.
Other names: c.4550T>C, p.Ile1517Thr (NM_001135597.2, NM_001254943.2); c.4469T>C, p.Ile1490Thr (NM_018084.5); c.4550T>C (NM_001135597.1); short protein forms I1517T, I1490T, I1518T.
Identifiers: ClinVar variation 1481533 (VCV001481533.9), dbSNP rs766916408, ClinGen allele CA1665558.